The following is an entry in ClinVar:

ClinVar aggregate classification (germline): Uncertain significance (1 of 4 stars; one submission).

Allele frequency attached by ClinVar (database versions not stated): TOPMed below 0.00001 and 0.00001; gnomAD exomes below 0.00001; ExAC 0.00001; gnomAD 0.00001.
gnomAD v4.1: 2 of 1,611,278 alleles (0.00012%); highest among the groups gnomAD compares: Non-Finnish European, 0.00017%; no homozygotes.

Submission:

GeneDx
Classification: Uncertain significance. Last evaluated: 2017-11-06. Review status: criteria provided, single submitter. Criteria: GeneDx Variant Classification (06012015). Collection method: clinical testing. Allele origin: germline. Affected: yes.
Comment: The E428G variant in the GIGYF2 gene has not been reported previously as a pathogenic variant, nor as a benign variant, to our knowledge. The E428G variant is observed in 1/111562 (0.009%) alleles from individuals of European (non-Finnish) background, in large population cohorts (Lek et al., 2016). The E428G variant is a non-conservative amino acid substitution, which is likely to impact secondary protein structure as these residues differ in polarity, charge, size and/or other properties. This substitution occurs at a position that is conserved in mammals. In silico analysis is inconsistent in its predictions as to whether or not the variant is damaging to the protein structure/function. We interpret E428G as a variant of uncertain significance

NM_001103146.3(GIGYF2):c.1283A>G (p.Glu428Gly)

Gene: GIGYF2 (GRB10 interacting GYF protein 2; plus strand). Cytogenetic location: 2q37.1.
Variant type: single nucleotide variant.
Coding change: c.1283A>G on transcript NM_001103146.3 (MANE Select); coding-DNA position 1283, A replaced by G.
Protein change: p.Glu428Gly; replaces glutamic acid 428 with glycine.
Molecular consequence: missense variant. On other transcripts: non-coding transcript variant (1).
Genome position (GRCh38, 1-based): chr2:232,794,748, A>G. VCF-style: chr2-232794748-A-G. GRCh37 (hg19) VCF-style: chr2-233659458-A-G.
Other names: c.1346A>G, p.Glu449Gly (NM_001103147.2); c.1265A>G, p.Glu422Gly (NM_001103148.2); c.1283A>G, p.Glu428Gly (NM_015575.4); short protein forms E428G, E449G, E422G.
Identifiers: ClinVar variation 453202 (VCV000453202.2), dbSNP rs759527420, ClinGen allele CA2170328.